The following is an entry in ClinVar:

NM_020441.3(CORO1B):c.147G>A (p.Ala49=)

Gene: CORO1B (coronin 1B; minus strand). Cytogenetic location: 11q13.2.
Variant type: single nucleotide variant.
Coding change: c.147G>A on transcript NM_020441.3 (MANE Select); coding-DNA position 147, G replaced by A.
Protein change: p.Ala49=; no amino-acid change (alanine 49 retained).
Molecular consequence: synonymous variant.
Genome position (GRCh38, 1-based): chr11:67,442,482, C>T on the plus strand (G>A on the coding strand, the complement: CORO1B is on the minus strand). VCF-style: chr11-67442482-C-T. GRCh37 (hg19) VCF-style: chr11-67209953-C-T.
Other names: c.147G>A, p.Ala49= (NM_001018070.3).
Identifiers: ClinVar variation 2642019 (VCV002642019.24), dbSNP rs561335766, ClinGen allele CA6139642.
Genomic context (GRCh38, chr11:67,442,482, plus strand): 5'-ACCCACCTTGCTTAGGGGGAGCACCAGAAAGGCACCCCCTCCACTGGCCTCCACAATCAC[C>T]GCCAGGAACTTGGGGTTGACGGCGCAGAAGGTGCTGTCCCAGGTAACACGGGACACGCGA-3'
Protein context (NP_065174.1, residues 39-59): TFCAVNPKFL[Ala49=]VIVEASGGGA

ClinVar aggregate classification (germline): Likely benign (1 of 4 stars; one submission).

Allele frequency attached by ClinVar (database versions not stated): gnomAD 0.00015; ExAC 0.00044; 1000 Genomes Project 30x 0.00094; 1000 Genomes Project 0.00120.
gnomAD v4.1: 335 of 1,613,558 alleles (0.021%); highest among the groups gnomAD compares: South Asian, 0.28%; no homozygotes.

Submission:

CeGaT Center for Human Genetics Tuebingen
Classification: Likely benign. Last evaluated: 2023-03-01. Review status: criteria provided, single submitter. Criteria: CeGaT Center For Human Genetics Tuebingen Variant Classification Criteria Version 2. Collection method: clinical testing. Allele origin: germline. Affected: yes. Observed: 1 variant allele.
Comment: CORO1B: BP4, BP7